The following is an entry in ClinVar:

ClinVar aggregate classification (germline): Uncertain significance (1 of 4 stars; one submission).

Conditions:
Cardiovascular phenotype. Identifiers: MedGen CN230736.

gnomAD v4.1: 1 of 1,488,756 alleles (0.000067%); highest among the groups gnomAD compares: Non-Finnish European, 0.00009%; no homozygotes.

Submission:

Ambry Genetics
Classification: Uncertain significance for Cardiovascular phenotype. Last evaluated: 2025-10-06. Review status: criteria provided, single submitter. Criteria: Ambry Variant Classification Scheme 2023. Collection method: clinical testing. Allele origin: germline.
Comment: The c.965-3T>C intronic variant results from a T to C substitution 3 nucleotides upstream from coding exon 12 in the TECRL gene. This nucleotide position is not well conserved in available vertebrate species. In silico splice site analysis predicts that this alteration will not have any significant effect on splicing. Based on the available evidence, the clinical significance of this variant remains unclear.

NM_001010874.5(TECRL):c.965-3T>C

Gene: TECRL (trans-2,3-enoyl-CoA reductase like; minus strand). Cytogenetic location: 4q13.1.
Variant type: single nucleotide variant.
Coding change: c.965-3T>C on transcript NM_001010874.5 (MANE Select); 3 bases into the intron before coding-DNA position 965, T replaced by C.
Molecular consequence: intron variant.
Genome position (GRCh38, 1-based): chr4:64,280,202, A>G on the plus strand (T>C on the coding strand, the complement: TECRL is on the minus strand). VCF-style: chr4-64280202-A-G. GRCh37 (hg19) VCF-style: chr4-65145920-A-G.
Other names: c.964+839T>C (NM_001363796.1).
Identifiers: ClinVar variation 4615091 (VCV004615091.1).